The following is an entry in ClinVar:

ClinVar aggregate classification (germline): Likely pathogenic (1 of 4 stars; one submission).

Conditions:
Familial cancer of breast. Also called: hereditary breast carcinoma; Hereditary breast cancer; BREAST CANCER, FAMILIAL. Identifiers: Orphanet 227535, MedGen C0346153, MONDO:0016419, OMIM 114480. Disease mechanism: loss of function.

Submission:

MGZ Medical Genetics Center
Classification: Likely pathogenic for Familial cancer of breast. Last evaluated: 2022-02-23. Review status: criteria provided, single submitter. Criteria: ACMG Guidelines, 2015. Collection method: clinical testing. Allele origin: germline. Affected: yes. Observed: 1 variant allele.
Comment: ACMG criteria applied: PVS1, PM2_SUP

NM_000059.4(BRCA2):c.1337dup (p.Leu446fs)

Gene: BRCA2 (BRCA2 DNA repair associated; plus strand). Cytogenetic location: 13q13.1.
Variant type: Duplication.
Coding change: c.1337dup on transcript NM_000059.4 (MANE Select); coding-DNA position 1337, one base duplicated (T; older notation c.1337dupT).
Protein change: p.Leu446fs; shifts the reading frame from leucine 446.
Molecular consequence: frameshift variant.
Genome position (GRCh38, 1-based): chr13:32,332,815, T duplicated; the last of 3 consecutive T bases (chr13:32,332,813-32,332,815); duplicating any one gives the same sequence. VCF-style (leftmost placement, unchanged base first): chr13-32332812-C-CT. GRCh37 (hg19) VCF-style: chr13-32906949-C-CT.
Other names: c.1337dup, p.Leu446Phefs (NM_001406719.1, NM_001406720.1, NM_001406721.1); short protein forms L446fs.
Identifiers: ClinVar variation 1709196 (VCV001709196.2), dbSNP rs2548520076, ClinGen allele CA2580086998.